The following is an entry in ClinVar:

NM_002778.4(PSAP):c.794G>A (p.Cys265Tyr)

Gene: PSAP (prosaposin; minus strand). Cytogenetic location: 10q22.1.
Variant type: single nucleotide variant.
Coding change: c.794G>A on transcript NM_002778.4 (MANE Select); coding-DNA position 794, G replaced by A.
Protein change: p.Cys265Tyr; replaces cysteine 265 with tyrosine.
Molecular consequence: missense variant.
Genome position (GRCh38, 1-based): chr10:71,821,991, C>T on the plus strand (G>A on the coding strand, the complement: PSAP is on the minus strand). VCF-style: chr10-71821991-C-T. GRCh37 (hg19) VCF-style: chr10-73581748-C-T.
Other names: c.803G>A, p.Cys268Tyr (NM_001042465.3); c.800G>A, p.Cys267Tyr (NM_001042466.3); short protein forms C265Y, C267Y, C268Y.
Identifiers: ClinVar variation 1004559 (VCV001004559.7), dbSNP rs1842310226, ClinGen allele CA377148151.

ClinVar aggregate classification (germline): Uncertain significance (1 of 4 stars; one submission).

Conditions:
Sphingolipid activator protein 1 deficiency. Also called: METACHROMATIC LEUKODYSTROPHY DUE TO CEREBROSIDE SULFATASE ACTIVATOR DEFICIENCY; Metachromatic leukodystrophy due to saposin B deficiency; Saposin B Deficiency. Identifiers: Orphanet 512, MedGen C0268262, MONDO:0009590, OMIM 249900.

Submission:

Labcorp Genetics (formerly Invitae), Labcorp
Classification: Uncertain significance for Sphingolipid activator protein 1 deficiency. Last evaluated: 2021-05-09. Review status: criteria provided, single submitter. Criteria: Invitae Variant Classification Sherloc (09022015). Collection method: clinical testing. Allele origin: germline.
Comment: This sequence change replaces cysteine with tyrosine at codon 265 of the PSAP protein (p.Cys265Tyr). The cysteine residue is highly conserved and there is a large physicochemical difference between cysteine and tyrosine. This variant is not present in population databases (ExAC no frequency). This variant has not been reported in the literature in individuals with PSAP-related conditions. Algorithms developed to predict the effect of missense changes on protein structure and function are either unavailable or do not agree on the potential impact of this missense change (SIFT: "Not Available"; PolyPhen-2: "Probably Damaging"; Align-GVGD: "Not Available"). In summary, the available evidence is currently insufficient to determine the role of this variant in disease. Therefore, it has been classified as a Variant of Uncertain Significance.